The following is an entry in ClinVar:

ClinVar aggregate classification (germline): Uncertain significance. Review status: criteria provided, multiple submitters, no conflicts (2 of 4 stars). 4 submissions from 4 submitters: Uncertain significance (4). Last evaluated 2025-03-25.

Conditions:
Cardiovascular phenotype. Identifiers: MedGen CN230736.
Dilated cardiomyopathy 1KK (CMD1KK). Identifiers: Orphanet 154, Orphanet 75249, MedGen C3714995, MONDO:0014100, OMIM 615248.

Allele frequency attached by ClinVar (database versions not stated): ExAC 0.00001; gnomAD 0.00002; TOPMed 0.00002.
gnomAD v4.1: 18 of 1,614,018 alleles (0.0011%); highest among the groups gnomAD compares: Admixed American, 0.0017%; no homozygotes.

Submissions (4):

Ambry Genetics
Classification: Uncertain significance for Cardiovascular phenotype. Last evaluated: 2025-03-25. Review status: criteria provided, single submitter. Criteria: Ambry Variant Classification Scheme 2023. Collection method: clinical testing. Allele origin: germline.

CeGaT Center for Human Genetics Tuebingen
Classification: Uncertain significance. Last evaluated: 2024-06-01. Review status: criteria provided, single submitter. Criteria: CeGaT Center For Human Genetics Tuebingen Variant Classification Criteria Version 2. Collection method: clinical testing. Allele origin: germline. Affected: yes. Observed: 1 variant allele.
Comment: MYPN: PM2

Labcorp Genetics (formerly Invitae), Labcorp
Classification: Uncertain significance for Dilated cardiomyopathy 1KK. Last evaluated: 2022-07-12. Review status: criteria provided, single submitter. Criteria: Invitae Variant Classification Sherloc (09022015). Collection method: clinical testing. Allele origin: germline.
Comment: This sequence change replaces arginine, which is basic and polar, with tryptophan, which is neutral and slightly polar, at codon 722 of the MYPN protein (p.Arg722Trp). This variant is present in population databases (rs749716608, gnomAD 0.005%). This variant has not been reported in the literature in individuals affected with MYPN-related conditions. ClinVar contains an entry for this variant (Variation ID: 575119). Algorithms developed to predict the effect of missense changes on protein structure and function are either unavailable or do not agree on the potential impact of this missense change (SIFT: "Deleterious"; PolyPhen-2: "Benign"; Align-GVGD: "Class C65"). In summary, the available evidence is currently insufficient to determine the role of this variant in disease. Therefore, it has been classified as a Variant of Uncertain Significance.

GeneDx
Classification: Uncertain significance. Last evaluated: 2021-06-17. Review status: criteria provided, single submitter. Criteria: GeneDx Variant Classification Process June 2021. Collection method: clinical testing. Allele origin: germline. Affected: yes.
Comment: Has not been previously published as pathogenic or benign to our knowledge; In silico analysis supports that this missense variant has a deleterious effect on protein structure/function; Reported in ClinVar as a variant of uncertain significance (ClinVar Variant ID# 575119; Landrum et al., 2016); This variant is associated with the following publications: (PMID: 27535533)

NM_032578.4(MYPN):c.2164C>T (p.Arg722Trp)

Gene: MYPN (myopalladin; plus strand). Cytogenetic location: 10q21.3.
Variant type: single nucleotide variant.
Coding change: c.2164C>T on transcript NM_032578.4 (MANE Select); coding-DNA position 2164, C replaced by T.
Protein change: p.Arg722Trp; replaces arginine 722 with tryptophan.
Molecular consequence: missense variant. On other transcripts: non-coding transcript variant (2).
Genome position (GRCh38, 1-based): chr10:68,174,256, C>T. VCF-style: chr10-68174256-C-T. GRCh37 (hg19) VCF-style: chr10-69934013-C-T.
Other names: c.2164C>T, p.Arg722Trp (NM_001256267.2); c.1282C>T, p.Arg428Trp (NM_001256268.2); short protein forms R722W, R428W.
Identifiers: ClinVar variation 575119 (VCV000575119.28), dbSNP rs749716608, ClinGen allele CA5522741.
Genomic context (GRCh38, chr10:68,174,256, plus strand): 5'-GCGGTGACAACATCCAGTAAGCAGGTGAAGGCTCCTTCATCACAGACGTTCAGCTTGGCC[C>T]GGCCGAAGTATTTCTTCCCCTCCACGAACACCACCGCAGCAACTGTGGCCCCTTCCAGCT-3'
Protein context (NP_115967.2, residues 712-732): APSSQTFSLA[Arg722Trp]PKYFFPSTNT